The following is an entry in ClinVar:

ClinVar aggregate classification (germline): Uncertain significance (1 of 4 stars; one submission).

Conditions:
Congenital myasthenic syndrome 8. Also called: MYASTHENIC SYNDROME, CONGENITAL, DUE TO AGRIN DEFICIENCY; Myasthenic syndrome, congenital, 8, with pre- and postsynaptic defects. Identifiers: Orphanet 590, MedGen C3808739, MONDO:0014052, OMIM 615120.

Allele frequency attached by ClinVar (database versions not stated): gnomAD exomes 0.00001; TOPMed 0.00002; gnomAD 0.00003.

Submission:

Labcorp Genetics (formerly Invitae), Labcorp
Classification: Uncertain significance for Congenital myasthenic syndrome 8. Last evaluated: 2021-11-20. Review status: criteria provided, single submitter. Criteria: Invitae Variant Classification Sherloc (09022015). Collection method: clinical testing. Allele origin: germline.
Comment: In summary, the available evidence is currently insufficient to determine the role of this variant in disease. Therefore, it has been classified as a Variant of Uncertain Significance. Algorithms developed to predict the effect of missense changes on protein structure and function are either unavailable or do not agree on the potential impact of this missense change (SIFT: "Deleterious"; PolyPhen-2: "Probably Damaging"; Align-GVGD: "Class C0"). This variant has not been reported in the literature in individuals affected with AGRN-related conditions. The frequency data for this variant in the population databases is considered unreliable, as metrics indicate poor data quality at this position in the gnomAD database. This sequence change replaces aspartic acid, which is acidic and polar, with valine, which is neutral and non-polar, at codon 314 of the AGRN protein (p.Asp314Val).

NM_198576.4(AGRN):c.941A>T (p.Asp314Val)

Gene: AGRN (agrin; plus strand). Cytogenetic location: 1p36.33.
Variant type: single nucleotide variant.
Coding change: c.941A>T on transcript NM_198576.4 (MANE Select); coding-DNA position 941, A replaced by T.
Protein change: p.Asp314Val; replaces aspartic acid 314 with valine.
Molecular consequence: missense variant.
Genome position (GRCh38, 1-based): chr1:1,041,386, A>T. VCF-style: chr1-1041386-A-T. GRCh37 (hg19) VCF-style: chr1-976766-A-T.
Other names: c.941A>T, p.Asp314Val (NM_001305275.2); c.626A>T, p.Asp209Val (NM_001364727.2); short protein forms D314V, D209V.
Identifiers: ClinVar variation 1352035 (VCV001352035.6), dbSNP rs1230475487, ClinGen allele CA337825223.